The following is an entry in ClinVar:

ClinVar aggregate classification (germline): Uncertain significance (1 of 4 stars; one submission).

Submission:

GeneDx
Classification: Uncertain significance. Last evaluated: 2024-05-31. Review status: criteria provided, single submitter. Criteria: GeneDx Variant Classification Process June 2021. Collection method: clinical testing. Allele origin: germline. Affected: yes.
Comment: Not observed at significant frequency in large population cohorts (gnomAD); Has not been previously published as pathogenic or benign to our knowledge; Nonsense variant predicted to result in protein truncation as the last 154 amino acids are lost in a gene for which loss-of-function is not an established mechanism of disease

NM_178554.6(KY):c.1522C>T (p.Gln508Ter)

Genes: CEP63 (centrosomal protein 63; plus strand), KY (kyphoscoliosis peptidase; minus strand). Cytogenetic location: 3q22.2.
Variant type: single nucleotide variant.
Coding change: c.1522C>T on transcript NM_178554.6 (MANE Select); coding-DNA position 1522, C replaced by T.
Protein change: p.Gln508Ter; replaces glutamine 508 with a stop codon.
Molecular consequence: nonsense.
Genome position (GRCh38, 1-based): chr3:134,604,043, G>A on the plus strand (C>T on the coding strand, the complement: KY is on the minus strand). VCF-style: chr3-134604043-G-A. GRCh37 (hg19) VCF-style: chr3-134322885-G-A.
Other names: c.1474C>T, p.Gln492Ter (NM_001350859.2); c.1459C>T, p.Gln487Ter (NM_001366276.1); short protein forms Q487*, Q492*, Q508*.
Identifiers: ClinVar variation 3383794 (VCV003383794.1).